The following is an entry in ClinVar:

ClinVar aggregate classification (germline): Uncertain significance. Review status: criteria provided, multiple submitters, no conflicts (2 of 4 stars). 4 submissions from 4 submitters: Uncertain significance (2). 2 of the submissions do not count toward it. Last evaluated 2026-01-09.

Conditions:
Cardiovascular phenotype. Identifiers: MedGen CN230736.
Dilated cardiomyopathy 1W (CMD1W). Identifiers: Orphanet 154, MedGen C1969639, MONDO:0012667, OMIM 611407.

Allele frequency attached by ClinVar (database versions not stated): gnomAD exomes below 0.00001; TOPMed below 0.00001; gnomAD 0.00002.
gnomAD v4.1: 4 of 1,614,054 alleles (0.00025%); highest among the groups gnomAD compares: Non-Finnish European, 0.00034%; no homozygotes.

Submissions (4):

Ambry Genetics
Classification: Uncertain significance for Cardiovascular phenotype. Last evaluated: 2026-01-09. Review status: criteria provided, single submitter. Criteria: Ambry Variant Classification Scheme 2023. Collection method: clinical testing. Allele origin: germline.
Comment: The p.D601E variant (also known as c.1803T>A), located in coding exon 13 of the VCL gene, results from a T to A substitution at nucleotide position 1803. The aspartic acid at codon 601 is replaced by glutamic acid, an amino acid with highly similar properties. This variant was detected in a cardiomyopathy genetic testing cohort; however, clinical details were limited, and additional cardiac variants were detected in some cases (van Lint FHM et al. Neth Heart J, 2019 Jun;27:304-309). This amino acid position is highly conserved in available vertebrate species. In addition, the in silico prediction for this alteration is inconclusive. Based on the available evidence, the clinical significance of this variant remains unclear.

Labcorp Genetics (formerly Invitae), Labcorp
Classification: Uncertain significance for Dilated cardiomyopathy 1W. Last evaluated: 2023-02-24. Review status: criteria provided, single submitter. Criteria: Invitae Variant Classification Sherloc (09022015). Collection method: clinical testing. Allele origin: germline.
Comment: This sequence change replaces aspartic acid, which is acidic and polar, with glutamic acid, which is acidic and polar, at codon 601 of the VCL protein (p.Asp601Glu). This variant is present in population databases (no rsID available, gnomAD 0.002%). This missense change has been observed in individual(s) with dilated cardiomyopathy (PMID: 30847666). ClinVar contains an entry for this variant (Variation ID: 663770). An algorithm developed to predict the effect of missense changes on protein structure and function (PolyPhen-2) suggests that this variant is likely to be disruptive. In summary, the available evidence is currently insufficient to determine the role of this variant in disease. Therefore, it has been classified as a Variant of Uncertain Significance.

Clinical Genetics DNA and cytogenetics Diagnostics Lab, Erasmus MC, Erasmus Medical Center
Classification: Uncertain significance. Review status: no assertion criteria provided. Collection method: clinical testing. Allele origin: germline. Affected: yes. Study: VKGL Data-share Consensus. Not counted in ClinVar's aggregate classification.

Clinical Genetics, Academic Medical Center
Classification: Uncertain significance. Review status: no assertion criteria provided. Collection method: clinical testing. Allele origin: germline. Affected: yes. Study: VKGL Data-share Consensus. Not counted in ClinVar's aggregate classification.

Literature cited by the submitters: PubMed 30847666 (cited by Ambry Genetics and Labcorp Genetics (formerly Invitae), Labcorp).

NM_014000.3(VCL):c.1803T>A (p.Asp601Glu)

Gene: VCL (vinculin; plus strand). Cytogenetic location: 10q22.2.
Variant type: single nucleotide variant.
Coding change: c.1803T>A on transcript NM_014000.3 (MANE Select); coding-DNA position 1803, T replaced by A.
Protein change: p.Asp601Glu; replaces aspartic acid 601 with glutamic acid.
Molecular consequence: missense variant.
Genome position (GRCh38, 1-based): chr10:74,097,263, T>A. VCF-style: chr10-74097263-T-A. GRCh37 (hg19) VCF-style: chr10-75857021-T-A.
Other names: c.1803T>A, p.Asp601Glu (NM_003373.4); short protein forms D601E.
Identifiers: ClinVar variation 663770 (VCV000663770.13), dbSNP rs1235063893, ClinGen allele CA377276667.